The following is an entry in ClinVar:

ClinVar aggregate classification (germline): Uncertain significance (1 of 4 stars; one submission).

Submission:

GeneDx
Classification: Uncertain significance. Last evaluated: 2020-05-12. Review status: criteria provided, single submitter. Criteria: GeneDx Variant Classification Process June 2021. Collection method: clinical testing. Allele origin: germline. Affected: yes.
Comment: Not observed in large population cohorts (Lek 2016); In silico analysis supports a deleterious effect on splicing; Has not been previously published as pathogenic or benign to our knowledge

NM_001042492.3(NF1):c.730+3A>T

Gene: NF1 (neurofibromin 1; plus strand). Cytogenetic location: 17q11.2.
Variant type: single nucleotide variant.
Coding change: c.730+3A>T on transcript NM_001042492.3 (MANE Select); 3 bases into the intron after coding-DNA position 730, A replaced by T.
Molecular consequence: intron variant.
Genome position (GRCh38, 1-based): chr17:31,181,788, A>T. VCF-style: chr17-31181788-A-T. GRCh37 (hg19) VCF-style: chr17-29508806-A-T.
Other names: c.730+3A>T (NM_000267.4, NM_001128147.3).
Identifiers: ClinVar variation 1209039 (VCV001209039.3), dbSNP rs762029774, ClinGen allele CA2499223990.